The following is an entry in ClinVar:

NM_001852.4(COL9A2):c.1828G>A (p.Gly610Arg)

Gene: COL9A2 (collagen type IX alpha 2 chain; minus strand). Cytogenetic location: 1p34.2.
Variant type: single nucleotide variant.
Coding change: c.1828G>A on transcript NM_001852.4 (MANE Select); coding-DNA position 1828, G replaced by A.
Protein change: p.Gly610Arg; replaces glycine 610 with arginine.
Molecular consequence: missense variant.
Genome position (GRCh38, 1-based): chr1:40,301,854, C>T on the plus strand (G>A on the coding strand, the complement: COL9A2 is on the minus strand). VCF-style: chr1-40301854-C-T. GRCh37 (hg19) VCF-style: chr1-40767526-C-T.
Other names: c.1828G>A (NM_001852.3); short protein forms G610R.
Identifiers: ClinVar variation 1399023 (VCV001399023.10), dbSNP rs1406374016, ClinGen allele CA339874709.

ClinVar aggregate classification (germline): Uncertain significance. Review status: criteria provided, multiple submitters, no conflicts (2 of 4 stars). 3 submissions from 3 submitters: Uncertain significance (3). Last evaluated 2026-01-05.

Conditions:
Inborn genetic diseases. Identifiers: MedGen C0950123, MeSH D030342.

Allele frequency attached by ClinVar (database versions not stated): gnomAD exomes below 0.00001; TOPMed below 0.00001.
gnomAD v4.1: 5 of 1,614,104 alleles (0.00031%); highest among the groups gnomAD compares: South Asian, 0.0011%; no homozygotes.

Submissions (3):

Labcorp Genetics (formerly Invitae), Labcorp
Classification: Uncertain significance. Last evaluated: 2026-01-05. Review status: criteria provided, single submitter. Criteria: Invitae Variant Classification Sherloc (09022015). Collection method: clinical testing. Allele origin: germline.
Comment: This sequence change replaces glycine, which is neutral and non-polar, with arginine, which is basic and polar, at codon 610 of the COL9A2 protein (p.Gly610Arg). This variant is present in population databases (no rsID available, gnomAD 0.003%). This variant has not been reported in the literature in individuals affected with COL9A2-related conditions. ClinVar contains an entry for this variant (Variation ID: 1399023). Invitae Evidence Modeling of protein sequence and biophysical properties (such as structural, functional, and spatial information, amino acid conservation, physicochemical variation, residue mobility, and thermodynamic stability) indicates that this missense variant is expected to disrupt COL9A2 protein function with a positive predictive value of 95%. In summary, the available evidence is currently insufficient to determine the role of this variant in disease. Therefore, it has been classified as a Variant of Uncertain Significance.

Ambry Genetics
Classification: Uncertain significance for Inborn genetic diseases. Last evaluated: 2025-08-20. Review status: criteria provided, single submitter. Criteria: Ambry Variant Classification Scheme 2023. Collection method: clinical testing. Allele origin: germline.

Blueprint Genetics
Classification: Uncertain significance. Last evaluated: 2019-09-09. Review status: criteria provided, single submitter. Criteria: ACMG Guidelines, 2015. Collection method: clinical testing. Allele origin: germline.